The following is an entry in ClinVar:

NM_206926.2(SELENON):c.644_645+36del

Gene: SELENON (selenoprotein N; plus strand). Cytogenetic location: 1p36.11.
Variant type: Deletion.
Coding change: c.644_645+36del on transcript NM_206926.2 (MANE Select); coding-DNA position 644 through 36 bases into the intron after coding-DNA position 645, 38 bases deleted.
Molecular consequence: splice donor variant.
Genome position (GRCh38, 1-based): chr1:25,808,788-25,808,825, 38 bases deleted; deleting any 38 consecutive bases within chr1:25,808,787-25,808,825 gives the same sequence; the c. name uses the placement nearest the transcript's 3' end. GRCh37 (hg19): chr1:26,135,279-26,135,316.
Other names: c.746_747+36del (NM_020451.3).
Identifiers: ClinVar variation 930110 (VCV000930110.12), dbSNP rs2047932848, ClinGen allele CA1139656023.
Genomic context (GRCh38, chr1:25,808,786, plus strand): 5'-GAGCATGTTCACTGGCTACCTGTCCAACAACCGCTTCTATCCACCGCCGCCCAAGGGCAA[GGAGGTGAGGACAGCTGGGGTGCGACGTGGGGCCCCTCC>G]GCCCGAGCCCAGGAGTGGCCACCCCTCTGTCTGCGCCTGGACCCCAGTGCCAGGCCTGCT-3'

ClinVar aggregate classification (germline): Pathogenic. Review status: criteria provided, multiple submitters, no conflicts (2 of 4 stars). 3 submissions from 3 submitters: Pathogenic (3). Last evaluated 2024-02-25.

Conditions:
Eichsfeld type congenital muscular dystrophy (CMYO3). Also called: MYOPATHY, SEPN1-RELATED; Rigid spine muscular dystrophy 1; SELENON-related myopathy; Congenital myopathy 3 with rigid spine. Identifiers: MedGen C0410180, MONDO:0100100, OMIM 602771.
Desmin-related myopathy with Mallory body-like inclusions. Identifiers: Orphanet 84132, MedGen C4275073.
Muscular dystrophy. Identifiers: Orphanet 98473, MedGen C0026850, MeSH D009136, MONDO:0020121, HP:0003560.

Submissions (3):

Labcorp Genetics (formerly Invitae), Labcorp
Classification: Pathogenic for Eichsfeld type congenital muscular dystrophy. Last evaluated: 2024-02-25. Review status: criteria provided, single submitter. Criteria: Invitae Variant Classification Sherloc (09022015). Collection method: clinical testing. Allele origin: germline.
Comment: This variant results in the deletion of part of exon 5 (c.746_747+36del) of the SELENON gene. It is expected to disrupt RNA splicing. Variants that disrupt the donor or acceptor splice site typically lead to a loss of protein function (PMID: 16199547), and loss-of-function variants in SELENON are known to be pathogenic (PMID: 21131290, 21670436). This variant is not present in population databases (gnomAD no frequency). This variant has been observed in individuals with clinical features of SELENON-related myopathy (PMID: 21670436; Invitae). ClinVar contains an entry for this variant (Variation ID: 930110). For these reasons, this variant has been classified as Pathogenic.

Broad Center for Mendelian Genomics, Broad Institute of MIT and Harvard
Classification: Pathogenic for Eichsfeld type congenital muscular dystrophy. Last evaluated: 2023-05-02. Review status: criteria provided, single submitter. Criteria: ACMG Guidelines, 2015. Collection method: curation. Allele origin: germline. Inheritance: Autosomal recessive inheritance.
Comment: Familial segregation analysis revealed that this variant was in trans with a pathogenic variant (ClinVar Variation ID: 4492). The c.746_747+36del variant in SELENON has been previously reported in one individual with SELENON-related myopathy (SELENON-RM) (PMID: 21670436). This variant is absent from population studies. This variant has also been reported in ClinVar (Variation ID: 930110) and has been interpreted as pathogenic by Laboratory for Molecular Medicine,Mass General Brigham Personalized Medicine and Invitae. This variant is a deletion of 36 bases that includes the canonical splice site (+/- 1,2) and is predicted to cause altered splicing leading to an abnormal or absent protein. Loss of function of the SELENON gene is an established disease mechanism in autosomal recessive SELENON-RM. In summary, this variant meets criteria to be classified as pathogenic for autosomal recessive SELENON-RM. ACMG/AMP Criteria applied: PVS1_Strong, PM2_Supporting, PM3_Strong (Richards 2015).

Laboratory for Molecular Medicine, Mass General Brigham Personalized Medicine
Classification: Pathogenic for Muscular dystrophy. Last evaluated: 2020-03-27. Review status: criteria provided, single submitter. Criteria: LMM Criteria. Collection method: clinical testing. Allele origin: germline. Inheritance: Autosomal recessive inheritance. Observed: 1 variant allele.
Comment: The c.746_747+36del deletion has been reported in the compound heterozygous state with a pathogenic variant in an individual with early-onset muscle disease and multiminicore on pathology (Scoto 2011) and in an individual with childhood-onset muscular dystrophy with adulthood-onset of respiratory issues (Broad Institute Rare Genomes Project). This variant was absent from large population studies. This variant is a deletion of 36 bases that includes the canonical splice site (+/- 1,2) and is predicted to cause altered splicing leading to an abnormal or absent protein. Loss of function of the SELENON gene is an established disease mechanism in autosomal recessive congenital myopathy/rigid spine muscular dystrophy. In summary, this deletion meets criteria to be classified as pathogenic for autosomal recessive muscular dystrophy. ACMG/AMP Criteria applied: PVS1_Strong, PM2, PM3_Strong.

Literature cited by the submitters: PubMed 16199547 (cited by Labcorp Genetics (formerly Invitae), Labcorp); PubMed 21131290 (cited by Labcorp Genetics (formerly Invitae), Labcorp); PubMed 21670436 (cited by Labcorp Genetics (formerly Invitae), Labcorp and Laboratory for Molecular Medicine, Mass General Brigham Personalized Medicine).